The following is an entry in ClinVar:

ClinVar aggregate classification (germline): Uncertain significance (1 of 4 stars; one submission).

gnomAD v4.1: 4 of 1,614,158 alleles (0.00025%); highest among the groups gnomAD compares: Admixed American, 0.0017%; no homozygotes.

Submission:

GeneDx
Classification: Uncertain significance. Last evaluated: 2023-06-23. Review status: criteria provided, single submitter. Criteria: GeneDx Variant Classification Process June 2021. Collection method: clinical testing. Allele origin: germline. Affected: yes.
Comment: Not observed at significant frequency in large population cohorts (gnomAD); In silico analysis supports that this missense variant does not alter protein structure/function; Has not been previously published as pathogenic or benign to our knowledge

NM_033004.4(NLRP1):c.2272A>G (p.Ile758Val)

Gene: NLRP1 (NLR family pyrin domain containing 1; minus strand). Cytogenetic location: 17p13.2.
Variant type: single nucleotide variant.
Coding change: c.2272A>G on transcript NM_033004.4 (MANE Select); coding-DNA position 2272, A replaced by G.
Protein change: p.Ile758Val; replaces isoleucine 758 with valine.
Molecular consequence: missense variant.
Genome position (GRCh38, 1-based): chr17:5,558,424, T>C on the plus strand (A>G on the coding strand, the complement: NLRP1 is on the minus strand). VCF-style: chr17-5558424-T-C. GRCh37 (hg19) VCF-style: chr17-5461744-T-C.
Other names: c.2272A>G, p.Ile758Val (NM_001033053.3, NM_014922.5, NM_033006.4 and 1 more transcripts); short protein forms I758V.
Identifiers: ClinVar variation 3360335 (VCV003360335.1).